The following is an entry in ClinVar:

NM_001961.4(EEF2):c.713C>T (p.Ala238Val)

Gene: EEF2 (eukaryotic translation elongation factor 2; minus strand). Cytogenetic location: 19p13.3.
Variant type: single nucleotide variant.
Coding change: c.713C>T on transcript NM_001961.4 (MANE Select); coding-DNA position 713, C replaced by T.
Protein change: p.Ala238Val; replaces alanine 238 with valine.
Molecular consequence: missense variant.
Genome position (GRCh38, 1-based): chr19:3,982,324, G>A on the plus strand (C>T on the coding strand, the complement: EEF2 is on the minus strand). VCF-style: chr19-3982324-G-A. GRCh37 (hg19) VCF-style: chr19-3982322-G-A.
Other names: short protein forms A238V.
Identifiers: ClinVar variation 2684184 (VCV002684184.2), dbSNP rs2512205302, ClinGen allele CA403394287.

ClinVar aggregate classification (germline): Uncertain significance. Review status: criteria provided, multiple submitters, no conflicts (2 of 4 stars). 2 submissions from 2 submitters: Uncertain significance (2). Last evaluated 2026-08-01.

Submissions (2):

CeGaT Center for Human Genetics Tuebingen
Classification: Uncertain significance. Last evaluated: 2026-08-01. Review status: criteria provided, single submitter. Criteria: CeGaT Center For Human Genetics Tuebingen Variant Classification Criteria Version 2. Collection method: clinical testing. Allele origin: germline. Affected: yes. Observed: 1 variant allele.
Comment: EEF2: PM2, PP2

Athena Diagnostics
Classification: Uncertain significance. Last evaluated: 2023-06-15. Review status: criteria provided, single submitter. Criteria: Athena Diagnostics Criteria. Collection method: clinical testing. Allele origin: unknown.
Comment: Available data are insufficient to determine the clinical significance of the variant at this time. This variant has not been reported in large, multi-ethnic general populations. Computational tools predict that this variant is not damaging.